The following is an entry in ClinVar:

ClinVar aggregate classification (germline): Pathogenic (1 of 4 stars; one submission).

Conditions:
Familial cancer of breast. Also called: BREAST CANCER, FAMILIAL; Hereditary breast cancer; hereditary breast carcinoma. Identifiers: Orphanet 227535, MedGen C0346153, MONDO:0016419, OMIM 114480. Disease mechanism: loss of function.

Submission:

Labcorp Genetics (formerly Invitae), Labcorp
Classification: Pathogenic for Familial cancer of breast. Last evaluated: 2020-11-11. Review status: criteria provided, single submitter. Criteria: Invitae Variant Classification Sherloc (09022015). Collection method: clinical testing. Allele origin: germline.
Comment: This variant is a gross deletion of the genomic region encompassing exons 1-9 of the BARD1 gene, which includes the initiator codon. The 5' end of this event is unknown as it extends beyond the assayed region for this gene and therefore may encompass additional genes. The 3' boundary is likely confined to intron 9 of the BARD1 gene. This is expected to result in an absent or disrupted protein product. This variant has not been reported in the literature in individuals with BARD1-related conditions. Loss-of-function variants in BARD1 are known to be pathogenic (PMID: 20077502, 21344236). For these reasons, this variant has been classified as Pathogenic.

Literature cited by the submitters: PubMed 20077502; PubMed 21344236.

NC_000002.12:g.(?_214745057)_(214809569_?)del

Gene: BARD1 (BRCA1 associated RING domain 1; minus strand). Cytogenetic location: 2q35.
Variant type: Deletion.
Identifiers: ClinVar variation 830582 (VCV000830582.3).